The following is an entry in ClinVar:

ClinVar aggregate classification (germline): Uncertain significance (1 of 4 stars; one submission).

Conditions:
Oto-palato-digital syndrome, type II (OPD2). Also called: OPD II SYNDROME; Otopalatodigital Syndrome, Type II; FACIOPALATOOSSEOUS SYNDROME; Otopalatodigital Syndrome Type 2 (FLNA-OPD2). Identifiers: Orphanet 669, Orphanet 90652, MedGen C1844696, MONDO:0010571, OMIM 304120.

Submission:

3billion
Classification: Uncertain significance for Oto-palato-digital syndrome, type II. Last evaluated: 2024-08-09. Review status: criteria provided, single submitter. Criteria: ACMG Guidelines, 2015. Collection method: clinical testing. Allele origin: germline. Affected: yes.
Comment: The variant is not observed in the gnomAD v4.0.0 dataset. Predicted Consequence/Location: Missense variant In silico tool predictions suggest damaging effect of the variant on gene or gene product [REVEL: 0.83 (>=0.6, sensitivity 0.68 and specificity 0.92)]. Therefore, this variant is classified as VUS according to the recommendation of ACMG/AMP guideline.

NM_001110556.2(FLNA):c.2780A>G (p.Asp927Gly)

Gene: FLNA (filamin A; minus strand). Cytogenetic location: Xq28.
Variant type: single nucleotide variant.
Coding change: c.2780A>G on transcript NM_001110556.2 (MANE Select); coding-DNA position 2780, A replaced by G.
Protein change: p.Asp927Gly; replaces aspartic acid 927 with glycine.
Molecular consequence: missense variant.
Genome position (GRCh38, 1-based): chrX:154,362,025, T>C on the plus strand (A>G on the coding strand, the complement: FLNA is on the minus strand). VCF-style: chrX-154362025-T-C. GRCh37 (hg19) VCF-style: chrX-153590393-T-C.
Other names: c.2780A>G, p.Asp927Gly (NM_001456.4); short protein forms D927G.
Identifiers: ClinVar variation 4292982 (VCV004292982.1).